The following is an entry in ClinVar:

ClinVar aggregate classification (germline): Uncertain significance (1 of 4 stars; one submission).

Conditions:
Sulfite oxidase deficiency due to molybdenum cofactor deficiency type C. Also called: Molybdenum cofactor deficiency, complementation group C; Molybdenum cofactor deficiency C. Identifiers: Orphanet 308400, Orphanet 833, MedGen C1854990, MONDO:0014212, OMIM 615501.

Submission:

Labcorp Genetics (formerly Invitae), Labcorp
Classification: Uncertain significance for Sulfite oxidase deficiency due to molybdenum cofactor deficiency type C. Last evaluated: 2021-10-27. Review status: criteria provided, single submitter. Criteria: Invitae Variant Classification Sherloc (09022015). Collection method: clinical testing. Allele origin: germline.
Comment: Algorithms developed to predict the effect of missense changes on protein structure and function are either unavailable or do not agree on the potential impact of this missense change (SIFT: "Deleterious"; PolyPhen-2: "Probably Damaging"; Align-GVGD: "Class C0"). In summary, the available evidence is currently insufficient to determine the role of this variant in disease. Therefore, it has been classified as a Variant of Uncertain Significance. This sequence change replaces aspartic acid, which is acidic and polar, with asparagine, which is neutral and polar, at codon 455 of the GPHN protein (p.Asp455Asn). This variant is not present in population databases (gnomAD no frequency). This missense change has been observed in individual(s) with clinical feature of GPHN-related conditions (PMID: 27652284).

Literature cited by the submitters: PubMed 27652284.

NM_020806.5(GPHN):c.1363G>A (p.Asp455Asn)

Gene: GPHN (gephyrin; plus strand). Cytogenetic location: 14q23.3.
Variant type: single nucleotide variant.
Coding change: c.1363G>A on transcript NM_020806.5 (MANE Select); coding-DNA position 1363, G replaced by A.
Protein change: p.Asp455Asn; replaces aspartic acid 455 with asparagine.
Molecular consequence: missense variant.
Genome position (GRCh38, 1-based): chr14:67,110,209, G>A. VCF-style: chr14-67110209-G-A. GRCh37 (hg19) VCF-style: chr14-67576926-G-A.
Other names: c.1264G>A, p.Asp422Asn (NM_001024218.2); c.1423G>A, p.Asp475Asn (NM_001377514.1); c.1393G>A, p.Asp465Asn (NM_001377515.1); c.1384G>A, p.Asp462Asn (NM_001377516.1); c.1336G>A, p.Asp446Asn (NM_001377517.1); c.1321G>A, p.Asp441Asn (NM_001377518.1); c.1303G>A, p.Asp435Asn (NM_001377519.1); short protein forms D441N, D446N, D475N, D465N, D422N, D435N, D455N, D462N.
Identifiers: ClinVar variation 1418687 (VCV001418687.6), dbSNP rs2153685283, ClinGen allele CA390257930.